The following is an entry in ClinVar:

ClinVar aggregate classification (germline): Likely benign (1 of 4 stars; one submission).

gnomAD v4.1: 3 of 1,587,718 alleles (0.00019%); highest among the groups gnomAD compares: South Asian, 0.0011%; no homozygotes.

Submission:

CeGaT Center for Human Genetics Tuebingen
Classification: Likely benign. Last evaluated: 2026-05-01. Review status: criteria provided, single submitter. Criteria: CeGaT Center For Human Genetics Tuebingen Variant Classification Criteria Version 2. Collection method: clinical testing. Allele origin: germline. Affected: yes. Observed: 1 variant allele.
Comment: FAM20A: BP4, BP7

NM_017565.4(FAM20A):c.354C>T (p.Ala118=)

Gene: FAM20A (FAM20A golgi associated secretory pathway pseudokinase; minus strand). Cytogenetic location: 17q24.2.
Variant type: single nucleotide variant.
Coding change: c.354C>T on transcript NM_017565.4 (MANE Select); coding-DNA position 354, C replaced by T.
Protein change: p.Ala118=; no amino-acid change (alanine 118 retained).
Molecular consequence: synonymous variant. On other transcripts: 5 prime UTR variant (1).
Genome position (GRCh38, 1-based): chr17:68,600,313, G>A on the plus strand (C>T on the coding strand, the complement: FAM20A is on the minus strand). VCF-style: chr17-68600313-G-A. GRCh37 (hg19) VCF-style: chr17-66596454-G-A.
Other names: c.-287C>T (NM_001243746.2).
Identifiers: ClinVar variation 4872904 (VCV004872904.2).